The following is an entry in ClinVar:

NM_005219.5(DIAPH1):c.*755T>C

Gene: DIAPH1 (diaphanous related formin 1; minus strand). Cytogenetic location: 5q31.3.
Variant type: single nucleotide variant.
Coding change: c.*755T>C on transcript NM_005219.5 (MANE Select); 755 bases downstream of the stop codon, T replaced by C.
Molecular consequence: 3 prime UTR variant.
Genome position (GRCh38, 1-based): chr5:141,516,096, A>G on the plus strand (T>C on the coding strand, the complement: DIAPH1 is on the minus strand). VCF-style: chr5-141516096-A-G. GRCh37 (hg19) VCF-style: chr5-140895663-A-G.
Other names: c.*755T>C (NM_001079812.3); c.*874T>C (NM_001314007.2).
Identifiers: ClinVar variation 351273 (VCV000351273.5), dbSNP rs561468918, ClinGen allele CA10623006.

ClinVar aggregate classification (germline): Likely benign (1 of 4 stars; one submission).

Conditions:
Autosomal dominant nonsyndromic hearing loss 1. Also called: KONIGSMARK SYNDROME; DEAFNESS, AUTOSOMAL DOMINANT 1, WITH OR WITHOUT THROMBOCYTOPENIA. Identifiers: Orphanet 90635, MedGen C1852282, MONDO:0007424, OMIM 124900.

Allele frequency attached by ClinVar (database versions not stated): gnomAD 0.00004 and 0.00006; TOPMed 0.00005; 1000 Genomes Project 30x 0.00047; 1000 Genomes Project 0.00060.

Submission:

Illumina Laboratory Services, Illumina
Classification: Likely benign for Autosomal dominant nonsyndromic hearing loss 1. Last evaluated: 2018-01-12. Review status: criteria provided, single submitter. Criteria: ICSL Variant Classification Criteria 13 December 2019. Collection method: clinical testing. Allele origin: germline.
Comment: This variant was observed in the ICSL laboratory as part of a predisposition screen in an ostensibly healthy population. It had not been previously curated by ICSL or reported in the Human Gene Mutation Database (HGMD: prior to June 1st, 2018), and was therefore a candidate for classification through an automated scoring system. Utilizing variant allele frequency, disease prevalence and penetrance estimates, and inheritance mode, an automated score was calculated to assess if this variant is too frequent to cause the disease. Based on the score and internal cut-off values, a variant classified as likely benign is not then subjected to further curation. The score for this variant resulted in a classification of likely benign for this disease.